The following is an entry in ClinVar:

ClinVar aggregate classification (germline): Conflicting classifications of pathogenicity. Review status: criteria provided, conflicting classifications (1 of 4 stars). 2 submissions from 2 submitters: Likely pathogenic (1); Uncertain significance (1). Last evaluated 2023-10-02.

Conditions:
Noonan syndrome 10 (NS10). Identifiers: Orphanet 648, MedGen C4225280, MONDO:0014693, OMIM 616564.

Submissions (2):

Blueprint Genetics
Classification: Uncertain significance. Last evaluated: 2023-10-02. Review status: criteria provided, single submitter. Criteria: ACMG Guidelines, 2015. Collection method: clinical testing. Allele origin: germline.

Victorian Clinical Genetics Services, Murdoch Childrens Research Institute
Classification: Likely pathogenic for Noonan syndrome 10. Last evaluated: 2020-10-19. Review status: criteria provided, single submitter. Criteria: ACMG Guidelines, 2015. Collection method: clinical testing. Allele origin: germline. Affected: yes.
Comment: Based on the classification scheme VCGS_Germline_v1.1.1, this variant is classified as likely pathogenic. Following criteria are met: 0103 - Both loss- and gain-of-function are known mechanisms of disease for this gene, where functional assays of missense have demonstrated both mechanism (PMID:30481304). (N) 0108 - This gene is known to be associated with both recessive and dominant disease, where autosomal recessive and dominant Noonan syndrome are caused by loss of function and gain of function variants, respectively (PMID:25795793). (N) 0200 - Variant is predicted to result in a missense amino acid change from glycine to valine (exon 8). (N) 0251 - Variant is heterozygous. (N) 0301 - Variant is absent from gnomAD. (P) 0501 - Missense variant consistently predicted to be damaging by multiple in silico tools or highly conserved with a major amino acid change. (P) 0600 - Variant is located in an annotated domain or motif, the Kelch motif (PDB). (N) 0702 - Comparable variants have strong previous evidence for pathogenicity. These alternative changes to arginine, glutamic acid and alanine, have been reported as de novo in multiple patients with Noonan syndrome (ClinVar, Decipher, LOVD, PMID:31169934, PMID:28973083). (P) 0807 - Variant has not previously been reported in a clinical context. (N) 0905 - No segregation evidence has been identified for this variant. (N) 1007 - No published functional evidence has been identified for this variant. (N) 1208 - Segregation information for this variant is not currently available. (N) Legend: (P) - Pathogenic, (N) - Neutral, (B) - Benign

Literature cited by the submitters: PubMed 25795793 (cited by Victorian Clinical Genetics Services, Murdoch Childrens Research Institute); PubMed 28973083 (cited by Victorian Clinical Genetics Services, Murdoch Childrens Research Institute); PubMed 30481304 (cited by Victorian Clinical Genetics Services, Murdoch Childrens Research Institute); PubMed 31169934 (cited by Victorian Clinical Genetics Services, Murdoch Childrens Research Institute).

NM_006767.4(LZTR1):c.743G>T (p.Gly248Val)

Gene: LZTR1 (leucine zipper like post translational regulator 1; plus strand). Cytogenetic location: 22q11.21.
Variant type: single nucleotide variant.
Coding change: c.743G>T on transcript NM_006767.4 (MANE Select); coding-DNA position 743, G replaced by T.
Protein change: p.Gly248Val; replaces glycine 248 with valine.
Molecular consequence: missense variant.
Genome position (GRCh38, 1-based): chr22:20,990,477, G>T. VCF-style: chr22-20990477-G-T. GRCh37 (hg19) VCF-style: chr22-21344766-G-T.
Other names: short protein forms G248V.
Identifiers: ClinVar variation 3376733 (VCV003376733.2).